The following is an entry in ClinVar:

ClinVar aggregate classification (germline): Uncertain significance. Review status: criteria provided, multiple submitters, no conflicts (2 of 4 stars). 2 submissions from 2 submitters: Uncertain significance (2). Last evaluated 2024-07-12.

Conditions:
Joubert syndrome 3 (JBTS3). Also called: AHI1-related Ciliopathy. Identifiers: Orphanet 220493, MedGen C1837713, MONDO:0012078, OMIM 608629.
Joubert syndrome. Also called: Familial aplasia of the vermis; CEREBELLOPARENCHYMAL DISORDER IV; JOUBERT-BOLTSHAUSER SYNDROME. Identifiers: Orphanet 475, MedGen C5979921, MONDO:0018772.

Allele frequency attached by ClinVar (database versions not stated): 1000 Genomes Project 0.00020; ESP Exome Variant Server 0.00033; gnomAD exomes 0.00001 and 0.00007; ExAC 0.00005; gnomAD 0.00005 and 0.00006; TOPMed 0.00010; 1000 Genomes Project 30x 0.00016.
gnomAD v4.1: 30 of 1,610,136 alleles (0.0019%); highest among the groups gnomAD compares: African/African-American, 0.02%; no homozygotes.

Submissions (2):

Labcorp Genetics (formerly Invitae), Labcorp
Classification: Uncertain significance for Joubert syndrome. Last evaluated: 2024-07-12. Review status: criteria provided, single submitter. Criteria: Invitae Variant Classification Sherloc (09022015). Collection method: clinical testing. Allele origin: germline.
Comment: This sequence change replaces methionine, which is neutral and non-polar, with valine, which is neutral and non-polar, at codon 285 of the AHI1 protein (p.Met285Val). This variant is present in population databases (rs200389118, gnomAD 0.05%). This variant has not been reported in the literature in individuals affected with AHI1-related conditions. ClinVar contains an entry for this variant (Variation ID: 954680). Advanced modeling of protein sequence and biophysical properties (such as structural, functional, and spatial information, amino acid conservation, physicochemical variation, residue mobility, and thermodynamic stability) performed at Invitae indicates that this missense variant is not expected to disrupt AHI1 protein function with a negative predictive value of 95%. In summary, the available evidence is currently insufficient to determine the role of this variant in disease. Therefore, it has been classified as a Variant of Uncertain Significance.

Fulgent Genetics
Classification: Uncertain significance for Joubert syndrome 3. Last evaluated: 2022-04-20. Review status: criteria provided, single submitter. Criteria: ACMG Guidelines, 2015. Collection method: clinical testing. Allele origin: unknown.

NM_001134831.2(AHI1):c.853A>G (p.Met285Val)

Gene: AHI1 (Abelson helper integration site 1; minus strand). Cytogenetic location: 6q23.3.
Variant type: single nucleotide variant.
Coding change: c.853A>G on transcript NM_001134831.2 (MANE Select); coding-DNA position 853, A replaced by G.
Protein change: p.Met285Val; replaces methionine 285 with valine.
Molecular consequence: missense variant.
Genome position (GRCh38, 1-based): chr6:135,463,203, T>C on the plus strand (A>G on the coding strand, the complement: AHI1 is on the minus strand). VCF-style: chr6-135463203-T-C. GRCh37 (hg19) VCF-style: chr6-135784341-T-C.
Other names: c.853A>G, p.Met285Val (NM_001134830.2, NM_001134832.2, NM_001350503.2 and 2 more transcripts); short protein forms M285V.
Identifiers: ClinVar variation 954680 (VCV000954680.9), dbSNP rs200389118, ClinGen allele CA4012741.